The following is an entry in ClinVar:

NM_002691.4(POLD1):c.3218+1G>A

Gene: POLD1 (DNA polymerase delta 1, catalytic subunit; plus strand). Cytogenetic location: 19q13.33.
Variant type: single nucleotide variant.
Coding change: c.3218+1G>A on transcript NM_002691.4 (MANE Select); the canonical splice donor site of the intron after coding-DNA position 3218, G replaced by A.
Molecular consequence: splice donor variant.
Genome position (GRCh38, 1-based): chr19:50,417,270, G>A. VCF-style: chr19-50417270-G-A. GRCh37 (hg19) VCF-style: chr19-50920527-G-A.
Other names: c.3218+1G>A (NM_001256849.1); c.3296+1G>A (NM_001308632.1).
Identifiers: ClinVar variation 484407 (VCV000484407.21), dbSNP rs1484837283, ClinGen allele CA406987583.

ClinVar aggregate classification (germline): Uncertain significance. Review status: criteria provided, multiple submitters, no conflicts (2 of 4 stars). 3 submissions from 3 submitters: Uncertain significance (3). Last evaluated 2025-11-04.

Conditions:
POLD1-related polyposis and colorectal cancer syndrome (CRCS10). Also called: Colorectal cancer 10; COLORECTAL CANCER, SUSCEPTIBILITY TO, ON CHROMOSOME 19q; Colorectal cancer, susceptibility to, 10. Identifiers: Orphanet 220460, MedGen C2675481, MONDO:0012953, OMIM 612591.
Hereditary cancer-predisposing syndrome. Also called: Tumor predisposition; Hereditary Cancer Syndrome; Hereditary neoplastic syndrome; Neoplastic Syndromes, Hereditary. Identifiers: Orphanet 140162, MedGen C0027672, MeSH D009386, MONDO:0015356.

Allele frequency attached by ClinVar (database versions not stated): TOPMed below 0.00001; gnomAD 0.00001.
gnomAD v4.1: 1 of 1,587,740 alleles (0.000063%); highest among the groups gnomAD compares: Non-Finnish European, 0.000085%; no homozygotes.

Submissions (3):

Ambry Genetics
Classification: Uncertain significance for Hereditary cancer-predisposing syndrome. Last evaluated: 2025-11-04. Review status: criteria provided, single submitter. Criteria: Ambry Variant Classification Scheme 2023. Collection method: clinical testing. Allele origin: germline.
Comment: The c.3218+1G>A intronic variant results from a G to A substitution one nucleotide after coding exon 25 of the POLD1 gene. This alteration occurs at the 3' terminus of the gene, is not expected to trigger nonsense-mediated mRNA decay, and only impacts the last 6% of the protein. The exact functional effect of this alteration is unknown. This nucleotide position is highly conserved in available vertebrate species. In silico splice site analysis predicts that this alteration will weaken the native splice donor site and will result in the creation or strengthening of a novel splice donor site. Based on the available evidence, the clinical significance of this variant remains unclear.

Center for Genomic Medicine, Rigshospitalet, Copenhagen University Hospital
Classification: Uncertain significance. Last evaluated: 2025-03-04. Review status: criteria provided, single submitter. Criteria: ACMG Guidelines, 2015. Collection method: clinical testing. Allele origin: germline.

Labcorp Genetics (formerly Invitae), Labcorp
Classification: Uncertain significance for POLD1-related polyposis and colorectal cancer syndrome. Last evaluated: 2024-07-28. Review status: criteria provided, single submitter. Criteria: Invitae Variant Classification Sherloc (09022015). Collection method: clinical testing. Allele origin: germline.
Comment: This sequence change affects a donor splice site in intron 26 of the POLD1 gene. Missense variants that disrupt the 3'-5' exonuclease (proof-reading) activity of the POLD1 protein are associated with PPAP (polymerase proofreading–associated polyposis) (PMID: 23263490, 23447401). However, loss-of-function variants that result in an absent or severely disrupted POLD1 protein, and missense variants outside the exonuclease domain, are unlikely to be associated with PPAP. This variant is not present in population databases (gnomAD no frequency). This variant has not been reported in the literature in individuals affected with POLD1-related conditions. ClinVar contains an entry for this variant (Variation ID: 484407). Studies have shown that this variant results in skipping of exon 26 and introduces a new termination codon (Invitae). However the mRNA is not expected to undergo nonsense-mediated decay. In summary, the available evidence is currently insufficient to determine the role of this variant in disease. Therefore, it has been classified as a Variant of Uncertain Significance.

Literature cited by the submitters: PubMed 23263490 (cited by Center for Genomic Medicine, Rigshospitalet, Copenhagen University Hospital and Labcorp Genetics (formerly Invitae), Labcorp); PubMed 32792570 (cited by Center for Genomic Medicine, Rigshospitalet, Copenhagen University Hospital); PubMed 30086056 (cited by Center for Genomic Medicine, Rigshospitalet, Copenhagen University Hospital); PubMed 28724667 (cited by Center for Genomic Medicine, Rigshospitalet, Copenhagen University Hospital); PubMed 23447401 (cited by Labcorp Genetics (formerly Invitae), Labcorp).